The following is an entry in ClinVar:

ClinVar aggregate classification (germline): Benign (0 of 4 stars; one submission).

Conditions:
WDFY4-related disorder. Also called: WDFY4-related condition.

Allele frequency attached by ClinVar (database versions not stated): 1000 Genomes Project 30x 0.96830; 1000 Genomes Project 0.96965; TOPMed 0.97050; gnomAD 0.97362; ESP Exome Variant Server 0.97459; ExAC 0.98988; gnomAD exomes 0.99757.
gnomAD v4.1: 1,543,988 of 1,551,558 alleles (100%); highest among the groups gnomAD compares: East Asian, 100%; 768,540 homozygotes.

Submission:

PreventionGenetics, part of Exact Sciences
Classification: Benign for WDFY4-related condition. Last evaluated: 2021-07-27. Review status: no assertion criteria provided. Collection method: clinical testing. Allele origin: germline.
Comment: This variant is classified as benign based on ACMG/AMP sequence variant interpretation guidelines (Richards et al. 2015 PMID: 25741868, with internal and published modifications).

NM_001394531.1(WDFY4):c.7580G>A (p.Ser2527Asn)

Gene: WDFY4 (WDFY family member 4; plus strand). Cytogenetic location: 10q11.23.
Variant type: single nucleotide variant.
Coding change: c.7580G>A on transcript NM_001394531.1 (MANE Select); coding-DNA position 7580, G replaced by A.
Protein change: p.Ser2527Asn; replaces serine 2527 with asparagine.
Molecular consequence: missense variant.
Genome position (GRCh38, 1-based): chr10:48,901,857, G>A. VCF-style: chr10-48901857-G-A. GRCh37 (hg19) VCF-style: chr10-50109902-G-A.
Other names: c.7580G>A, p.Ser2527Asn (NM_020945.2); short protein forms S2527N.
Identifiers: ClinVar variation 3059007 (VCV003059007.2), dbSNP rs2663046, ClinGen allele CA5492724.